The following is an entry in ClinVar:

ClinVar aggregate classification (germline): Pathogenic (1 of 4 stars; one submission).

Conditions:
Hereditary spastic paraplegia 4. Also called: Spastic Paraplegia 4; Spastic paraplegia 4, autosomal dominant; Familial spastic paraplegia autosomal dominant 2. Identifiers: Orphanet 100985, MedGen C1866855, MONDO:0008438, OMIM 182601.

Submission:

Labcorp Genetics (formerly Invitae), Labcorp
Classification: Pathogenic for Hereditary spastic paraplegia 4. Last evaluated: 2019-08-16. Review status: criteria provided, single submitter. Criteria: Invitae Variant Classification Sherloc (09022015). Collection method: clinical testing. Allele origin: germline.
Comment: Algorithms developed to predict the effect of sequence changes on RNA splicing suggest that this variant may create or strengthen a splice site, but this prediction has not been confirmed by published transcriptional studies. This sequence change creates a premature translational stop signal (p.Tyr505Cysfs*6) in the SPAST gene. It is expected to result in an absent or disrupted protein product. This variant is not present in population databases (ExAC no frequency). This variant has not been reported in the literature in individuals with SPAST-related conditions. Loss-of-function variants in SPAST are known to be pathogenic (PMID: 20932283). For these reasons, this variant has been classified as Pathogenic.

Literature cited by the submitters: PubMed 20932283.

NM_014946.4(SPAST):c.1514_1515del (p.Tyr505fs)

Gene: SPAST (spastin; plus strand). Cytogenetic location: 2p22.3.
Variant type: Microsatellite.
Coding change: c.1514_1515del on transcript NM_014946.4 (MANE Select); coding-DNA positions 1514 to 1515, 2 bases deleted (AT; older notation c.1514_1515delAT).
Protein change: p.Tyr505fs; shifts the reading frame from tyrosine 505.
Molecular consequence: frameshift variant.
Genome position (GRCh38, 1-based): chr2:32,141,924-32,141,925, AT deleted; deleting any 2 consecutive bases within chr2:32,141,921-32,141,925 gives the same sequence; the c. name uses the placement nearest the transcript's 3' end. VCF-style (leftmost placement, unchanged base first): chr2-32141920-GTA-G. GRCh37 (hg19) VCF-style: chr2-32366989-GTA-G.
Other names: c.1511_1512del, p.Tyr504fs (NM_001363823.2); c.1415_1416del, p.Tyr472fs (NM_001363875.2); c.1418_1419del, p.Tyr473fs (NM_001377959.1, NM_199436.2); short protein forms Y505fs, Y504fs, Y472fs, Y473fs.
Identifiers: ClinVar variation 939867 (VCV000939867.7), dbSNP rs1679732948, ClinGen allele CA1242504524.